The following is an entry in ClinVar:

NM_005630.3(SLCO2A1):c.682G>A (p.Val228Ile)

Gene: SLCO2A1 (solute carrier organic anion transporter family member 2A1; minus strand). Cytogenetic location: 3q22.1.
Variant type: single nucleotide variant.
Coding change: c.682G>A on transcript NM_005630.3 (MANE Select); coding-DNA position 682, G replaced by A.
Protein change: p.Val228Ile; replaces valine 228 with isoleucine.
Molecular consequence: missense variant.
Genome position (GRCh38, 1-based): chr3:133,953,705, C>T on the plus strand (G>A on the coding strand, the complement: SLCO2A1 is on the minus strand). VCF-style: chr3-133953705-C-T. GRCh37 (hg19) VCF-style: chr3-133672549-C-T.
Other names: short protein forms V228I.
Identifiers: ClinVar variation 732502 (VCV000732502.11), dbSNP rs141676845, ClinGen allele CA2626749.
Genomic context (GRCh38, chr3:133,953,705, plus strand): 5'-TCCTCTGCACATACTCACCTGTGTTGACCCTGCCATAGTCCACAAAGATCTGCAGCATGA[C>T]AGAGCCCAGCAGGTACCCGAAAGCCGGTCCAAATACAGAGATGGCAAATAAGATGGCTGG-3'
Protein context (NP_005621.2, residues 218-238): GPAFGYLLGS[Val228Ile]MLQIFVDYGR

ClinVar aggregate classification (germline): Likely benign. Review status: criteria provided, single submitter (1 of 4 stars). 2 submissions from 2 submitters: Likely benign (1). 1 of the submissions does not count toward it. Last evaluated 2025-12-20.

Conditions:
SLCO2A1-related disorder. Also called: SLCO2A1-related condition.

Allele frequency attached by ClinVar (database versions not stated): gnomAD exomes 0.00010 and 0.00033; ExAC 0.00042; gnomAD 0.00103 and 0.00106; TOPMed 0.00129; ESP Exome Variant Server 0.00169; 1000 Genomes Project 0.00180; 1000 Genomes Project 30x 0.00219.

Submissions (2):

Labcorp Genetics (formerly Invitae), Labcorp
Classification: Likely benign. Last evaluated: 2025-12-20. Review status: criteria provided, single submitter. Criteria: Invitae Variant Classification Sherloc (09022015). Collection method: clinical testing. Allele origin: germline.

PreventionGenetics, part of Exact Sciences
Classification: Likely benign for SLCO2A1-related condition. Last evaluated: 2023-04-24. Review status: no assertion criteria provided. Collection method: clinical testing. Allele origin: germline. Not counted in ClinVar's aggregate classification.
Comment: This variant is classified as likely benign based on ACMG/AMP sequence variant interpretation guidelines (Richards et al. 2015 PMID: 25741868, with internal and published modifications).